The following is an entry in ClinVar:

NM_002206.3(ITGA7):c.2749dup (p.Glu917fs)

Gene: ITGA7 (integrin subunit alpha 7; minus strand). Cytogenetic location: 12q13.2.
Variant type: Duplication.
Coding change: c.2749dup on transcript NM_002206.3 (MANE Select); coding-DNA position 2749, one base duplicated (G; older notation c.2749dupG).
Protein change: p.Glu917fs; shifts the reading frame from glutamic acid 917.
Molecular consequence: frameshift variant.
Genome position (GRCh38, 1-based): chr12:55,692,939, C duplicated on the plus strand (G on the coding strand, the reverse complement: ITGA7 is on the minus strand); the first of 2 consecutive C bases (chr12:55,692,939-55,692,940); duplicating either gives the same sequence. VCF-style (leftmost placement, unchanged base first): chr12-55692938-T-TC. GRCh37 (hg19) VCF-style: chr12-56086722-T-TC.
Other names: c.2761dup, p.Glu921fs (NM_001144996.2); c.2469dup, p.Glu824Glyfs (NM_001144997.2); c.2422dup, p.Glu808fs (NM_001367993.1); c.1405dup, p.Glu469fs (NM_001367994.1); c.2731dup, p.Glu911fs (NM_001374465.1); c.2880dup, p.Glu961Glyfs (NM_001410977.1); c.2742dup, p.Glu915Glyfs (NM_001414029.1); c.2673dup, p.Glu892Glyfs (NM_001414030.1); and 5 more; short protein forms E917fs, E921fs, E469fs, E824fs, E911fs, E808fs.
Identifiers: ClinVar variation 2873714 (VCV002873714.3), dbSNP rs1871773510, ClinGen allele CA2038035274.

ClinVar aggregate classification (germline): Pathogenic (1 of 4 stars; one submission).

Conditions:
Congenital muscular dystrophy due to integrin alpha-7 deficiency. Also called: MYOPATHY, CONGENITAL, DUE TO INTEGRIN ALPHA-7 DEFICIENCY; Congenital muscular dystrophy with integrin alpha-7 deficiency; Muscular dystrophy, congenital, due to ITGA7 deficiency. Identifiers: Orphanet 34520, MedGen C2750786, MONDO:0013177, OMIM 613204.

Submission:

Labcorp Genetics (formerly Invitae), Labcorp
Classification: Pathogenic for Congenital muscular dystrophy due to integrin alpha-7 deficiency. Last evaluated: 2023-02-16. Review status: criteria provided, single submitter. Criteria: Invitae Variant Classification Sherloc (09022015). Collection method: clinical testing. Allele origin: germline.
Comment: Algorithms developed to predict the effect of sequence changes on RNA splicing suggest that this variant may disrupt the consensus splice site. For these reasons, this variant has been classified as Pathogenic. This variant has not been reported in the literature in individuals affected with ITGA7-related conditions. This sequence change creates a premature translational stop signal (p.Glu917Glyfs*4) in the ITGA7 gene. It is expected to result in an absent or disrupted protein product. Loss-of-function variants in ITGA7 are known to be pathogenic (PMID: 9590299). This variant is not present in population databases (gnomAD no frequency).

Literature cited by the submitters: PubMed 9590299.